The following is an entry in ClinVar:

ClinVar aggregate classification (germline): Uncertain significance (1 of 4 stars; one submission).

Allele frequency attached by ClinVar (database versions not stated): gnomAD 0.00001; gnomAD exomes 0.00001.
gnomAD v4.1: 8 of 1,613,882 alleles (0.0005%); highest among the groups gnomAD compares: Non-Finnish European, 0.00068%; no homozygotes.

Submission:

Labcorp Genetics (formerly Invitae), Labcorp
Classification: Uncertain significance. Last evaluated: 2024-05-13. Review status: criteria provided, single submitter. Criteria: Invitae Variant Classification Sherloc (09022015). Collection method: clinical testing. Allele origin: germline.
Comment: This sequence change replaces aspartic acid, which is acidic and polar, with asparagine, which is neutral and polar, at codon 705 of the ANKZF1 protein (p.Asp705Asn). This variant is present in population databases (no rsID available, gnomAD 0.007%). This variant has not been reported in the literature in individuals affected with ANKZF1-related conditions. ClinVar contains an entry for this variant (Variation ID: 1957845). An algorithm developed to predict the effect of missense changes on protein structure and function (PolyPhen-2) suggests that this variant is likely to be disruptive. In summary, the available evidence is currently insufficient to determine the role of this variant in disease. Therefore, it has been classified as a Variant of Uncertain Significance.

NM_018089.3(ANKZF1):c.2113G>A (p.Asp705Asn)

Gene: ANKZF1 (ankyrin repeat and zinc finger peptidyl tRNA hydrolase 1; plus strand). Cytogenetic location: 2q35.
Variant type: single nucleotide variant.
Coding change: c.2113G>A on transcript NM_018089.3 (MANE Select); coding-DNA position 2113, G replaced by A.
Protein change: p.Asp705Asn; replaces aspartic acid 705 with asparagine.
Molecular consequence: missense variant.
Genome position (GRCh38, 1-based): chr2:219,236,377, G>A. VCF-style: chr2-219236377-G-A. GRCh37 (hg19) VCF-style: chr2-220101099-G-A.
Other names: c.2113G>A, p.Asp705Asn (NM_001042410.2); c.1483G>A, p.Asp495Asn (NM_001282792.2); short protein forms D495N, D705N.
Identifiers: ClinVar variation 1957845 (VCV001957845.5), dbSNP rs1334953246, ClinGen allele CA350689537.